The following is an entry in ClinVar:

NM_001184880.2(PCDH19):c.569T>C (p.Leu190Pro)

Gene: PCDH19 (protocadherin 19; minus strand). Cytogenetic location: Xq22.1.
Variant type: single nucleotide variant.
Coding change: c.569T>C on transcript NM_001184880.2 (MANE Select); coding-DNA position 569, T replaced by C.
Protein change: p.Leu190Pro; replaces leucine 190 with proline.
Molecular consequence: missense variant.
Genome position (GRCh38, 1-based): chrX:100,408,029, A>G on the plus strand (T>C on the coding strand, the complement: PCDH19 is on the minus strand). VCF-style: chrX-100408029-A-G. GRCh37 (hg19) VCF-style: chrX-99663027-A-G.
Other names: c.569T>C, p.Leu190Pro (NM_001105243.2, NM_020766.3); short protein forms L190P.
Identifiers: ClinVar variation 1393370 (VCV001393370.6), dbSNP rs2147541432, ClinGen allele CA414009266.

ClinVar aggregate classification (germline): Uncertain significance (1 of 4 stars; one submission).

Conditions:
Developmental and epileptic encephalopathy, 9 (DEE9). Also called: Early infantile epileptic encephalopathy 9; JUBERG-HELLMAN SYNDROME; EPILEPSY, FEMALE-RESTRICTED, WITH MENTAL RETARDATION; PCDH19-Related X-Linked Female-Limited Epilepsy with Mental Retardation. Identifiers: Orphanet 101039, Orphanet 2076, MedGen C1848137, MONDO:0010246, OMIM 300088. Disease mechanism: loss of function.

Submission:

Labcorp Genetics (formerly Invitae), Labcorp
Classification: Uncertain significance for Developmental and epileptic encephalopathy, 9. Last evaluated: 2026-02-02. Review status: criteria provided, single submitter. Criteria: Invitae Variant Classification Sherloc (09022015). Collection method: clinical testing. Allele origin: germline.
Comment: This sequence change replaces leucine, which is neutral and non-polar, with proline, which is neutral and non-polar, at codon 190 of the PCDH19 protein (p.Leu190Pro). This variant is not present in population databases (gnomAD no frequency). This variant has not been reported in the literature in individuals affected with PCDH19-related conditions. ClinVar contains an entry for this variant (Variation ID: 1393370). Invitae Evidence Modeling of protein sequence and biophysical properties (such as structural, functional, and spatial information, amino acid conservation, physicochemical variation, residue mobility, and thermodynamic stability) indicates that this missense variant is expected to disrupt PCDH19 protein function with a positive predictive value of 95%. In summary, the available evidence is currently insufficient to determine the role of this variant in disease. Therefore, it has been classified as a Variant of Uncertain Significance.